The following is an entry in ClinVar:

ClinVar aggregate classification (germline): Uncertain significance (1 of 4 stars; one submission).

Conditions:
Familial hypercholesterolemia. Also called: Familial hypercholesterolaemia. Identifiers: MedGen C0020445, MONDO:0005439.

Submission:

Color Diagnostics, LLC DBA Color Health
Classification: Uncertain significance for Familial hypercholesterolemia. Last evaluated: 2018-12-05. Review status: criteria provided, single submitter. Criteria: ACMG Guidelines, 2015. Collection method: clinical testing. Allele origin: germline.
Comment: Variant of Uncertain Significance due to insufficient evidence: This missense variant is located in the signal peptide sequence of the PCSK9 protein. Computational prediction tools and conservation analyses are inconclusive regarding the impact of this variant on the protein function. Computational splicing tools suggest that this variant may not impact RNA splicing. To our knowledge, functional assays have not been performed for this variant nor has this variant been reported in individuals affected with familial hypercholesterolemia in the literature. This variant is rare in the general population and has been identified in 0/277264 chromosomes by the Genome Aggregation Database (gnomAD). Available evidence is insufficient to determine the pathogenicity of this variant conclusively.

NM_174936.4(PCSK9):c.89C>A (p.Ala30Glu)

Gene: PCSK9 (proprotein convertase subtilisin/kexin type 9; plus strand). Cytogenetic location: 1p32.3.
Variant type: single nucleotide variant.
Coding change: c.89C>A on transcript NM_174936.4 (MANE Select); coding-DNA position 89, C replaced by A.
Protein change: p.Ala30Glu; replaces alanine 30 with glutamic acid.
Molecular consequence: missense variant.
Genome position (GRCh38, 1-based): chr1:55,039,926, C>A. VCF-style: chr1-55039926-C-A. GRCh37 (hg19) VCF-style: chr1-55505599-C-A.
Other names: short protein forms A30E.
Identifiers: ClinVar variation 925777 (VCV000925777.3), dbSNP rs958750957, ClinGen allele CA340482747.